The following is an entry in ClinVar:

NM_001042424.3(NSD2):c.4049G>C (p.Gly1350Ala)

Gene: NSD2 (nuclear receptor binding SET domain protein 2; plus strand). Cytogenetic location: 4p16.3.
Variant type: single nucleotide variant.
Coding change: c.4049G>C on transcript NM_001042424.3 (MANE Select); coding-DNA position 4049, G replaced by C.
Protein change: p.Gly1350Ala; replaces glycine 1350 with alanine.
Molecular consequence: missense variant.
Genome position (GRCh38, 1-based): chr4:1,978,860, G>C. VCF-style: chr4-1978860-G-C. GRCh37 (hg19) VCF-style: chr4-1980587-G-C.
Other names: c.3080G>C, p.Gly1027Ala (NM_001440899.1, NM_001440900.1); c.4049G>C, p.Gly1350Ala (NM_133330.3, NM_133331.3, NM_133335.4 and 1 more transcripts); c.3902G>C, p.Gly1301Ala (NM_001440895.1); c.3848G>C, p.Gly1283Ala (NM_001440896.1); c.3842G>C, p.Gly1281Ala (NM_001440897.1); c.3725G>C, p.Gly1242Ala (NM_001440898.1); c.4148G>C, p.Gly1383Ala (NM_001440893.1); c.3932G>C, p.Gly1311Ala (NM_001440894.1); short protein forms G1027A, G1242A, G1281A, G1283A, G1301A, G1311A, G1350A, G1383A.
Identifiers: ClinVar variation 4880834 (VCV004880834.2).

ClinVar aggregate classification (germline): Uncertain significance (1 of 4 stars; one submission).

Conditions:
Rauch-Steindl syndrome (RAUST). Identifiers: Orphanet 659642, MedGen C5562061, MONDO:0859219, OMIM 619695.

Submission:

Dasa
Classification: Uncertain significance for Rauch-Steindl syndrome. Last evaluated: 2025-02-21. Review status: criteria provided, single submitter. Criteria: DASA Assertion Criteria. Collection method: clinical testing. Allele origin: germline.
Comment: NM_001042424.3(NSD2):c.4049G>C (p.Gly1350Ala) is a missense variant that results in the substitution of glycine with alanine. This variant is absent from population databases. Computational prediction algorithms are consistent with a benign effect. The currently available literature and clinical evidence are not sufficient to establish a definitive association between this variant and the reported condition. Therefore, this variant is classified as a variant of uncertain significance.